The following is an entry in ClinVar:

ClinVar aggregate classification (germline): Pathogenic (1 of 4 stars; one submission).

Submission:

Labcorp Genetics (formerly Invitae), Labcorp
Classification: Pathogenic. Last evaluated: 2023-02-14. Review status: criteria provided, single submitter. Criteria: Invitae Variant Classification Sherloc (09022015). Collection method: clinical testing. Allele origin: germline.
Comment: This sequence change creates a premature translational stop signal (p.Pro1381Alafs*30) in the ZNF469 gene. While this is not anticipated to result in nonsense mediated decay, it is expected to disrupt the last 2545 amino acid(s) of the ZNF469 protein. This variant is not present in population databases (gnomAD no frequency). This variant has not been reported in the literature in individuals affected with ZNF469-related conditions. This variant disrupts a region of the ZNF469 protein in which other variant(s) ((p.Pro3556Glnfs*136) have been determined to be pathogenic (PMID: 32671420). This suggests that this is a clinically significant region of the protein, and that variants that disrupt it are likely to be disease-causing. For these reasons, this variant has been classified as Pathogenic.

Literature cited by the submitters: PubMed 32671420.

NM_001367624.2(ZNF469):c.4223dup (p.Pro1409fs)

Gene: ZNF469 (zinc finger protein 469; plus strand). Cytogenetic location: 16q24.2.
Variant type: Duplication.
Coding change: c.4223dup on transcript NM_001367624.2 (MANE Select); coding-DNA position 4223, one base duplicated (C; older notation c.4223dupC).
Protein change: p.Pro1409fs; shifts the reading frame from proline 1409.
Molecular consequence: frameshift variant.
Genome position (GRCh38, 1-based): chr16:88,431,693, C duplicated; the last of 4 consecutive C bases (chr16:88,431,690-88,431,693); duplicating any one gives the same sequence. VCF-style (leftmost placement, unchanged base first): chr16-88431689-G-GC. GRCh37 (hg19) VCF-style: chr16-88498097-G-GC.
Other names: short protein forms P1409fs.
Identifiers: ClinVar variation 2869225 (VCV002869225.3), dbSNP rs2507586692, ClinGen allele CA2739266939.
Genomic context (GRCh38, chr16:88,431,689, plus strand): 5'-CCCAAAGACCTGGCTGGCTGTTTCCTGGAAGAACTGCACCCCAAGCCCTCAGCCAGGGAT[G>GC]CCCCGCCGGCCAGCAGCTCCTGCCTTTGCCAGGACGGCGAGGATGCCGGTTCCCTCGAGC-3'